The following is an entry in ClinVar:

ClinVar aggregate classification (germline): Conflicting classifications of pathogenicity. Review status: criteria provided, conflicting classifications (1 of 4 stars). 4 submissions from 4 submitters: Uncertain significance (2); Benign (1); Likely benign (1). Last evaluated 2026-01-14.

Conditions:
Familial thoracic aortic aneurysm and aortic dissection (TAAD). Also called: Thoracic aortic aneurysms and dissections. Identifiers: Orphanet 91387, MedGen C4707243, MONDO:0019625.
Adams-Oliver syndrome 5 (AOS5). Identifiers: Orphanet 974, MedGen C4014970, MONDO:0014459, OMIM 616028.

Allele frequency attached by ClinVar (database versions not stated): gnomAD exomes 0.00002; ExAC 0.00003; gnomAD 0.00003; TOPMed 0.00005; ESP Exome Variant Server 0.00008.
gnomAD v4.1: 46 of 1,612,728 alleles (0.0029%); highest among the groups gnomAD compares: Non-Finnish European, 0.0036%; no homozygotes.

Submissions (4):

Labcorp Genetics (formerly Invitae), Labcorp
Classification: Benign for Adams-Oliver syndrome 5. Last evaluated: 2026-01-14. Review status: criteria provided, single submitter. Criteria: Invitae Variant Classification Sherloc (09022015). Collection method: clinical testing. Allele origin: germline.

Ambry Genetics
Classification: Uncertain significance for Familial thoracic aortic aneurysm and aortic dissection. Last evaluated: 2025-07-08. Review status: criteria provided, single submitter. Criteria: Ambry Variant Classification Scheme 2023. Collection method: clinical testing. Allele origin: germline.
Comment: The p.A1471V variant (also known as c.4412C>T), located in coding exon 25 of the NOTCH1 gene, results from a C to T substitution at nucleotide position 4412. The alanine at codon 1471 is replaced by valine, an amino acid with similar properties. This amino acid position is well conserved in available vertebrate species. In addition, the in silico prediction for this alteration is inconclusive. Based on the available evidence, the clinical significance of this variant remains unclear.

CeGaT Center for Human Genetics Tuebingen
Classification: Likely benign. Last evaluated: 2025-04-01. Review status: criteria provided, single submitter. Criteria: CeGaT Center For Human Genetics Tuebingen Variant Classification Criteria Version 2. Collection method: clinical testing. Allele origin: germline. Affected: yes. Observed: 1 variant allele.
Comment: NOTCH1: BS2

GeneDx
Classification: Uncertain significance. Last evaluated: 2023-11-18. Review status: criteria provided, single submitter. Criteria: GeneDx Variant Classification Process June 2021. Collection method: clinical testing. Allele origin: germline. Affected: yes.
Comment: In silico analysis supports that this missense variant has a deleterious effect on protein structure/function; Has not been previously published as pathogenic or benign to our knowledge

NM_017617.5(NOTCH1):c.4412C>T (p.Ala1471Val)

Gene: NOTCH1 (notch receptor 1; minus strand). Cytogenetic location: 9q34.3.
Variant type: single nucleotide variant.
Coding change: c.4412C>T on transcript NM_017617.5 (MANE Select); coding-DNA position 4412, C replaced by T.
Protein change: p.Ala1471Val; replaces alanine 1471 with valine.
Molecular consequence: missense variant.
Genome position (GRCh38, 1-based): chr9:136,505,484, G>A on the plus strand (C>T on the coding strand, the complement: NOTCH1 is on the minus strand). VCF-style: chr9-136505484-G-A. GRCh37 (hg19) VCF-style: chr9-139399936-G-A.
Other names: c.4412C>T, p.Ala1471Val (LRG_1122t1); short protein forms A1471V.
Identifiers: ClinVar variation 581644 (VCV000581644.19), dbSNP rs376799353, ClinGen allele CA5340621.